The following is an entry in ClinVar:

ClinVar aggregate classification (germline): Uncertain significance. Review status: criteria provided, multiple submitters, no conflicts (2 of 4 stars). 2 submissions from 2 submitters: Uncertain significance (2). Last evaluated 2025-11-25.

Conditions:
Inborn genetic diseases. Identifiers: MedGen C0950123, MeSH D030342.
Methylmalonic acidemia with homocystinuria, type cblJ (MAHCJ). Also called: METHYLMALONIC ACIDURIA AND HOMOCYSTINURIA, cblJ TYPE. Identifiers: Orphanet 369955, MedGen C3553915, MONDO:0013925, OMIM 614857.

Allele frequency attached by ClinVar (database versions not stated): ExAC 0.00001; gnomAD exomes 0.00001.

Submissions (2):

Ambry Genetics
Classification: Uncertain significance for Inborn genetic diseases. Last evaluated: 2025-11-25. Review status: criteria provided, single submitter. Criteria: Ambry Variant Classification Scheme 2023. Collection method: clinical testing. Allele origin: germline.

Labcorp Genetics (formerly Invitae), Labcorp
Classification: Uncertain significance for Methylmalonic acidemia with homocystinuria, type cblJ. Last evaluated: 2020-10-08. Review status: criteria provided, single submitter. Criteria: Invitae Variant Classification Sherloc (09022015). Collection method: clinical testing. Allele origin: germline.
Comment: In summary, the available evidence is currently insufficient to determine the role of this variant in disease. Therefore, it has been classified as a Variant of Uncertain Significance. Advanced modeling of protein sequence and biophysical properties (such as structural, functional, and spatial information, amino acid conservation, physicochemical variation, residue mobility, and thermodynamic stability) performed at Invitae indicates that this missense variant is not expected to disrupt ABCD4 protein function. This variant has not been reported in the literature in individuals with ABCD4-related conditions. This variant is present in population databases (rs759539743, ExAC 0.006%). This sequence change replaces glutamine with arginine at codon 446 of the ABCD4 protein (p.Gln446Arg). The glutamine residue is moderately conserved and there is a small physicochemical difference between glutamine and arginine.

NM_005050.4(ABCD4):c.1337A>G (p.Gln446Arg)

Gene: ABCD4 (ATP binding cassette subfamily D member 4; minus strand). Cytogenetic location: 14q24.3.
Variant type: single nucleotide variant.
Coding change: c.1337A>G on transcript NM_005050.4 (MANE Select); coding-DNA position 1337, A replaced by G.
Protein change: p.Gln446Arg; replaces glutamine 446 with arginine.
Molecular consequence: missense variant. On other transcripts: non-coding transcript variant (1).
Genome position (GRCh38, 1-based): chr14:74,290,109, T>C on the plus strand (A>G on the coding strand, the complement: ABCD4 is on the minus strand). VCF-style: chr14-74290109-T-C. GRCh37 (hg19) VCF-style: chr14-74756812-T-C.
Other names: c.1211A>G, p.Gln404Arg (NM_001353591.2, NM_001353592.2); c.1076A>G, p.Gln359Arg (NM_001353593.2); c.1025A>G, p.Gln342Arg (NM_001353594.2); c.923A>G, p.Gln308Arg (NM_001353595.2, NM_001353596.2); c.872A>G, p.Gln291Arg (NM_001353597.2); c.860A>G, p.Gln287Arg (NM_001353598.2, NM_001353599.2, NM_001353600.2 and 2 more transcripts); c.548A>G, p.Gln183Arg (NM_001353602.2, NM_001353603.2, NM_001353604.2 and 6 more transcripts); c.1337A>G, p.Gln446Arg (NM_020325.3); and 1 more; short protein forms Q183R, Q287R, Q291R, Q308R, Q342R, Q359R, Q404R, Q446R.
Identifiers: ClinVar variation 999745 (VCV000999745.9), dbSNP rs759539743, ClinGen allele CA7266837.